The following is an entry in ClinVar:

NM_000297.4(PKD2):c.1255A>G (p.Thr419Ala)

Gene: PKD2 (polycystin 2, transient receptor potential cation channel; plus strand). Cytogenetic location: 4q22.1.
Variant type: single nucleotide variant.
Coding change: c.1255A>G on transcript NM_000297.4 (MANE Select); coding-DNA position 1255, A replaced by G.
Protein change: p.Thr419Ala; replaces threonine 419 with alanine.
Molecular consequence: missense variant. On other transcripts: non-coding transcript variant (1).
Genome position (GRCh38, 1-based): chr4:88,043,393, A>G. VCF-style: chr4-88043393-A-G. GRCh37 (hg19) VCF-style: chr4-88964545-A-G.
Other names: short protein forms T419A.
Identifiers: ClinVar variation 3718181 (VCV003718181.2).

ClinVar aggregate classification (germline): Uncertain significance (1 of 4 stars; one submission).

Conditions:
Autosomal dominant polycystic kidney disease. Identifiers: Orphanet 730, MedGen C0085413, MONDO:0004691.

gnomAD v4.1: 53 of 1,614,056 alleles (0.0033%); highest among the groups gnomAD compares: East Asian, 0.12%; 1 homozygote.

Submission:

Labcorp Genetics (formerly Invitae), Labcorp
Classification: Uncertain significance for Autosomal dominant polycystic kidney disease. Last evaluated: 2024-03-27. Review status: criteria provided, single submitter. Criteria: Invitae Variant Classification Sherloc (09022015). Collection method: clinical testing. Allele origin: germline.
Comment: This sequence change replaces threonine, which is neutral and polar, with alanine, which is neutral and non-polar, at codon 419 of the PKD2 protein (p.Thr419Ala). This variant is present in population databases (rs755510252, gnomAD 0.04%). This missense change has been observed in individual(s) with polycystic kidney disease (PMID: 17100995). Advanced modeling of protein sequence and biophysical properties (such as structural, functional, and spatial information, amino acid conservation, physicochemical variation, residue mobility, and thermodynamic stability) performed at Invitae indicates that this missense variant is expected to disrupt PKD2 protein function with a positive predictive value of 80%. In summary, the available evidence is currently insufficient to determine the role of this variant in disease. Therefore, it has been classified as a Variant of Uncertain Significance.

Literature cited by the submitters: PubMed 17100995.